The following is an entry in ClinVar:

NM_000548.5(TSC2):c.5325A>C (p.Lys1775Asn)

Gene: TSC2 (TSC complex subunit 2; plus strand). Cytogenetic location: 16p13.3.
Variant type: single nucleotide variant.
Coding change: c.5325A>C on transcript NM_000548.5 (MANE Select); coding-DNA position 5325, A replaced by C.
Protein change: p.Lys1775Asn; replaces lysine 1775 with asparagine.
Molecular consequence: missense variant. On other transcripts: non-coding transcript variant (5).
Genome position (GRCh38, 1-based): chr16:2,088,511, A>C. VCF-style: chr16-2088511-A-C. GRCh37 (hg19) VCF-style: chr16-2138512-A-C.
Other names: c.5124A>C, p.Lys1708Asn (NM_001077183.3); c.5256A>C, p.Lys1752Asn (NM_001114382.3); c.5016A>C, p.Lys1672Asn (NM_001318827.2); c.4980A>C, p.Lys1660Asn (NM_001318829.2); c.4593A>C, p.Lys1531Asn (NM_001318831.2); c.5157A>C, p.Lys1719Asn (NM_001318832.2); c.5127A>C, p.Lys1709Asn (NM_001363528.2); c.5193A>C, p.Lys1731Asn (NM_001370404.1); and 27 more; short protein forms K1174N, K1551N, K1671N, K1702N, K1709N, K1731N, K1732N, K1304N.
Identifiers: ClinVar variation 2564712 (VCV002564712.2), dbSNP rs2151639935, ClinGen allele CA394315540.

ClinVar aggregate classification (germline): Uncertain significance (1 of 4 stars; one submission).

Conditions:
Hereditary cancer-predisposing syndrome. Also called: Neoplastic Syndromes, Hereditary; Hereditary Cancer Syndrome; Hereditary neoplastic syndrome; Tumor predisposition. Identifiers: Orphanet 140162, MedGen C0027672, MeSH D009386, MONDO:0015356.

Submission:

Ambry Genetics
Classification: Uncertain significance for Hereditary cancer-predisposing syndrome. Last evaluated: 2023-04-18. Review status: criteria provided, single submitter. Criteria: Ambry Variant Classification Scheme 2023. Collection method: clinical testing. Allele origin: germline.
Comment: The p.K1775N variant (also known as c.5325A>C), located in coding exon 41 of the TSC2 gene, results from an A to C substitution at nucleotide position 5325. The lysine at codon 1775 is replaced by asparagine, an amino acid with similar properties. This amino acid position is conserved. In addition, the in silico prediction for this alteration is inconclusive. Since supporting evidence is limited at this time, the clinical significance of this alteration remains unclear.